The following is an entry in ClinVar:

ClinVar aggregate classification (germline): Uncertain significance (1 of 4 stars; one submission).

Conditions:
Ataxia-telangiectasia syndrome (AT). Also called: ATAXIA-TELANGIECTASIA, COMPLEMENTATION GROUP A; ATAXIA-TELANGIECTASIA, FRESNO VARIANT; Ataxia-telangiectasia; Ataxia-telangiectasia, complementation group D; AT, COMPLEMENTATION GROUP C; Ataxia-telangiectasia, complementation group E. Identifiers: Orphanet 100, MedGen C0004135, MONDO:0008840, OMIM 208900.

Submission:

Labcorp Genetics (formerly Invitae), Labcorp
Classification: Uncertain significance for Ataxia-telangiectasia syndrome. Last evaluated: 2024-05-07. Review status: criteria provided, single submitter. Criteria: Invitae Variant Classification Sherloc (09022015). Collection method: clinical testing. Allele origin: germline.
Comment: This sequence change replaces serine, which is neutral and polar, with asparagine, which is neutral and polar, at codon 2855 of the ATM protein (p.Ser2855Asn). This variant is not present in population databases (gnomAD no frequency). This variant has not been reported in the literature in individuals affected with ATM-related conditions. ClinVar contains an entry for this variant (Variation ID: 841133). An algorithm developed to predict the effect of missense changes on protein structure and function (PolyPhen-2) suggests that this variant is likely to be disruptive. This variant disrupts the p.Ser2855 amino acid residue in ATM. Other variant(s) that disrupt this residue have been determined to be pathogenic (PMID: 11857346; Invitae). This suggests that this residue is clinically significant, and that variants that disrupt this residue are likely to be disease-causing. In summary, the available evidence is currently insufficient to determine the role of this variant in disease. Therefore, it has been classified as a Variant of Uncertain Significance.

Literature cited by the submitters: PubMed 11857346.

NM_000051.4(ATM):c.8564G>A (p.Ser2855Asn)

Genes: ATM (ATM serine/threonine kinase; plus strand), C11orf65 (chromosome 11 open reading frame 65; minus strand). Cytogenetic location: 11q22.3.
Variant type: single nucleotide variant.
Coding change: c.8564G>A on transcript NM_000051.4 (MANE Select); coding-DNA position 8564, G replaced by A.
Protein change: p.Ser2855Asn; replaces serine 2855 with asparagine.
Molecular consequence: missense variant. On other transcripts: intron variant (2).
Genome position (GRCh38, 1-based): chr11:108,345,888, G>A. VCF-style: chr11-108345888-G-A. GRCh37 (hg19) VCF-style: chr11-108216615-G-A.
Other names: c.8564G>A, p.Ser2855Asn (NM_001351834.2); c.641-36817C>T (NM_001330368.2); c.695-10596C>T (NM_001351110.2); short protein forms S2855N.
Identifiers: ClinVar variation 841133 (VCV000841133.10), dbSNP rs2088303841, ClinGen allele CA382518631.